The following is an entry in ClinVar:

NM_015884.4(MBTPS2):c.980G>A (p.Arg327Gln)

Gene: MBTPS2 (membrane bound transcription factor peptidase, site 2; plus strand). Cytogenetic location: Xp22.12.
Variant type: single nucleotide variant.
Coding change: c.980G>A on transcript NM_015884.4 (MANE Select); coding-DNA position 980, G replaced by A.
Protein change: p.Arg327Gln; replaces arginine 327 with glutamine.
Molecular consequence: missense variant.
Genome position (GRCh38, 1-based): chrX:21,878,051, G>A. VCF-style: chrX-21878051-G-A. GRCh37 (hg19) VCF-style: chrX-21896169-G-A.
Other names: short protein forms R327Q.
Identifiers: ClinVar variation 2961377 (VCV002961377.4), dbSNP rs1429152981, ClinGen allele CA412569210.

ClinVar aggregate classification (germline): Uncertain significance. Review status: criteria provided, multiple submitters, no conflicts (2 of 4 stars). 2 submissions from 2 submitters: Uncertain significance (2). Last evaluated 2025-11-05.

Conditions:
IFAP syndrome 1, with or without BRESHECK syndrome. Also called: ICHTHYOSIS FOLLICULARIS, ATRICHIA, AND PHOTOPHOBIA WITH OR WITHOUT BRAIN ANOMALIES, RETARDATION, ECTODERMAL DYSPLASIA, SKELETAL MALFORMATIONS, HIRSCHSPRUNG DISEASE, EAR/EYE ANOMALIES, CLEFT PALATE/CRYPTORCHIDISM, AND KIDNEY DYSPLASIA/HYPOPLASIA; IFAP SYNDROME 1; IFAP syndrome with or without BRESHECK syndrome. Identifiers: Orphanet 2273, Orphanet 85284, MedGen C5399971, MONDO:0100213, OMIM 308205.

Allele frequency attached by ClinVar (database versions not stated): gnomAD exomes below 0.00001; TOPMed 0.00001.

Submissions (2):

Clinical Genomics Laboratory, Washington University in St. Louis
Classification: Uncertain significance for IFAP syndrome 1, with or without BRESHECK syndrome. Last evaluated: 2025-11-05. Review status: criteria provided, single submitter. Criteria: ACMG Guidelines, 2015. Collection method: clinical testing. Allele origin: germline.
Comment: The MBTPS2 c.980G>A (p.Arg327Gln) variant, to our knowledge, has not been reported in the medical literature but has been reported in the ClinVar database as a germline variant of uncertain significance by one submitter. This variant is absent from the general population (gnomAD v2.1.1), indicating it is not a common variant. Computational predictors indicate that the variant is damaging, evidence that correlates with impact to MBTPS2 function. Due to limited information, and based on ACMG/AMP guidelines for variant interpretation (Richards S et al., PMID: 25741868), the clinical significance of this variant is uncertain at this time.

Labcorp Genetics (formerly Invitae), Labcorp
Classification: Uncertain significance. Last evaluated: 2023-08-19. Review status: criteria provided, single submitter. Criteria: Invitae Variant Classification Sherloc (09022015). Collection method: clinical testing. Allele origin: germline.
Comment: This sequence change replaces arginine, which is basic and polar, with glutamine, which is neutral and polar, at codon 327 of the MBTPS2 protein (p.Arg327Gln). This variant is not present in population databases (gnomAD no frequency). This variant has not been reported in the literature in individuals affected with MBTPS2-related conditions. Advanced modeling of protein sequence and biophysical properties (such as structural, functional, and spatial information, amino acid conservation, physicochemical variation, residue mobility, and thermodynamic stability) performed at Invitae indicates that this missense variant is not expected to disrupt MBTPS2 protein function. In summary, the available evidence is currently insufficient to determine the role of this variant in disease. Therefore, it has been classified as a Variant of Uncertain Significance.